The following is an entry in ClinVar:

NM_001080414.4(CCDC88C):c.3969G>A (p.Leu1323=)

Gene: CCDC88C (coiled-coil and HOOK domain protein 88C; minus strand). Cytogenetic location: 14q32.11.
Variant type: single nucleotide variant.
Coding change: c.3969G>A on transcript NM_001080414.4 (MANE Select); coding-DNA position 3969, G replaced by A.
Protein change: p.Leu1323=; no amino-acid change (leucine 1323 retained).
Molecular consequence: synonymous variant.
Genome position (GRCh38, 1-based): chr14:91,294,316, C>T on the plus strand (G>A on the coding strand, the complement: CCDC88C is on the minus strand). VCF-style: chr14-91294316-C-T. GRCh37 (hg19) VCF-style: chr14-91760660-C-T.
Other names: p.Leu1323=.
Identifiers: ClinVar variation 158111 (VCV000158111.12), dbSNP rs8017119, ClinGen allele CA171530.

ClinVar aggregate classification (germline): Benign. Review status: criteria provided, multiple submitters, no conflicts (2 of 4 stars). 4 submissions from 4 submitters: Benign (4). Last evaluated 2026-02-04.

Allele frequency attached by ClinVar (database versions not stated): TOPMed 0.00987; gnomAD 0.01000 and 0.01028; ExAC 0.01040; ESP Exome Variant Server 0.01090; 1000 Genomes Project 0.00619; 1000 Genomes Project 30x 0.00656.
gnomAD v4.1: 20,487 of 1,613,794 alleles (1.3%); highest among the groups gnomAD compares: Non-Finnish European, 1.5%; 160 homozygotes.

Submissions (4):

Labcorp Genetics (formerly Invitae), Labcorp
Classification: Benign. Last evaluated: 2026-02-04. Review status: criteria provided, single submitter. Criteria: Invitae Variant Classification Sherloc (09022015). Collection method: clinical testing. Allele origin: germline.

Mayo Clinic Laboratories, Mayo Clinic
Classification: Benign. Last evaluated: 2023-05-11. Review status: criteria provided, single submitter. Criteria: ACMG Guidelines, 2015. Collection method: clinical testing. Allele origin: germline. Observed: 17 variant alleles.
Comment: BS1, BS2, BP4, BP7

Genetic Services Laboratory, University of Chicago
Classification: Benign. Last evaluated: 2013-04-08. Review status: criteria provided, single submitter. Criteria: ACMG Guidelines, 2007. Collection method: clinical testing. Allele origin: germline. Inheritance: Autosomal recessive inheritance.

Breakthrough Genomics
Classification: Benign. Review status: criteria provided, single submitter. Criteria: ACMG Guidelines, 2015. Collection method: not provided. Allele origin: germline. Inheritance: Autosomal recessive inheritance. Affected: yes.